The following is an entry in ClinVar:

NM_001042492.3(NF1):c.7615+24del

Gene: NF1 (neurofibromin 1; plus strand). Cytogenetic location: 17q11.2.
Variant type: Deletion.
Coding change: c.7615+24del on transcript NM_001042492.3 (MANE Select); 24 bases into the intron after coding-DNA position 7615, one base deleted (A; older notation c.7615+24delA).
Molecular consequence: intron variant.
Genome position (GRCh38, 1-based): chr17:31,352,438, A deleted. VCF-style (leftmost placement, unchanged base first): chr17-31352437-GA-G. GRCh37 (hg19) VCF-style: chr17-29679455-GA-G.
Other names: c.7552+24delA (NM_000267.3); c.7552+24del (NM_000267.4).
Identifiers: ClinVar variation 439993 (VCV000439993.10), dbSNP rs754290122, ClinGen allele CA8487619.

ClinVar aggregate classification (germline): Benign. Review status: criteria provided, single submitter (1 of 4 stars). 2 submissions from 2 submitters: Benign (1). 1 of the submissions does not count toward it. Last evaluated 2016-12-07.

Conditions:
NF1-related disorder. Also called: NF1-related condition. Identifiers: MedGen CN379171.

Allele frequency attached by ClinVar (database versions not stated): gnomAD 0.00050 and 0.00046; gnomAD exomes 0.00004 and 0.00016; ExAC 0.00016; ESP Exome Variant Server 0.00040; TOPMed 0.00048.

Submissions (2):

ARUP Laboratories, Molecular Genetics and Genomics, ARUP Laboratories
Classification: Benign. Last evaluated: 2016-12-07. Review status: criteria provided, single submitter. Criteria: ARUP Molecular Germline Variant Investigation Process. Collection method: clinical testing. Allele origin: germline.

PreventionGenetics, part of Exact Sciences
Classification: Likely benign for NF1-related condition. Last evaluated: 2022-05-10. Review status: no assertion criteria provided. Collection method: clinical testing. Allele origin: germline. Not counted in ClinVar's aggregate classification.
Comment: This variant is classified as likely benign based on ACMG/AMP sequence variant interpretation guidelines (Richards et al. 2015 PMID: 25741868, with internal and published modifications).